The following is an entry in ClinVar:

NM_000218.3(KCNQ1):c.1716G>A (p.Leu572=)

Gene: KCNQ1 (potassium voltage-gated channel subfamily Q member 1; plus strand). Cytogenetic location: 11p15.5.
Variant type: single nucleotide variant.
Coding change: c.1716G>A on transcript NM_000218.3 (MANE Select); coding-DNA position 1716, G replaced by A.
Protein change: p.Leu572=; no amino-acid change (leucine 572 retained).
Molecular consequence: synonymous variant.
Genome position (GRCh38, 1-based): chr11:2,777,016, G>A. VCF-style: chr11-2777016-G-A. GRCh37 (hg19) VCF-style: chr11-2798246-G-A.
Other names: c.1620G>A, p.Leu540= (NM_001406836.1); c.1446G>A, p.Leu482= (NM_001406837.1); c.1176G>A, p.Leu392= (NM_001406838.1); c.1335G>A, p.Leu445= (NM_181798.2).
Identifiers: ClinVar variation 264237 (VCV000264237.22), dbSNP rs886039093, ClinGen allele CA10587723.

ClinVar aggregate classification (germline): Benign/Likely benign. Review status: criteria provided, multiple submitters, no conflicts (2 of 4 stars). 6 submissions from 6 submitters: Benign (1); Likely benign (5). Last evaluated 2025-09-24.

Conditions:
Cardiovascular phenotype. Identifiers: MedGen CN230736.
Cardiac arrhythmia. Also called: Arrhythmia; Cardiac rhythm disease. Identifiers: MedGen C0003811, MONDO:0007263, HP:0011675.
Long QT syndrome (LQTS). Identifiers: MedGen C0023976, MeSH D008133, MONDO:0002442. Disease mechanism: loss of function. Inheritance: Various modes of inheritance.

Allele frequency attached by ClinVar (database versions not stated): TOPMed 0.00004; gnomAD exomes below 0.00001; gnomAD 0.00001.
gnomAD v4.1: 3 of 1,614,140 alleles (0.00019%); highest among the groups gnomAD compares: Non-Finnish European, 0.00025%; no homozygotes.

Submissions (6):

Labcorp Genetics (formerly Invitae), Labcorp
Classification: Likely benign for Long QT syndrome. Last evaluated: 2025-09-24. Review status: criteria provided, single submitter. Criteria: Invitae Variant Classification Sherloc (09022015). Collection method: clinical testing. Allele origin: germline.

All of Us Research Program, National Institutes of Health
Classification: Likely benign for Long QT syndrome. Last evaluated: 2023-10-02. Review status: criteria provided, single submitter. Criteria: ACMG Guidelines, 2015. Collection method: clinical testing. Allele origin: germline. Inheritance: Autosomal dominant inheritance. Observed: 1 variant allele, 1 heterozygote.
Comment: This study involves interpretation of variants in research participants for the purpose of population health screening. Participant phenotype was not available at the time of variant classification. Additional details can be found in publication PMID: 35346344, PMCID: PMC8962531

Women's Health and Genetics/Laboratory Corporation of America, LabCorp
Classification: Likely benign. Last evaluated: 2019-08-09. Review status: criteria provided, single submitter. Criteria: LabCorp Variant Classification Summary - May 2015. Collection method: clinical testing. Allele origin: germline.

Color Diagnostics, LLC DBA Color Health
Classification: Likely benign for Arrhythmia. Last evaluated: 2018-11-25. Review status: criteria provided, single submitter. Criteria: ACMG Guidelines, 2015. Collection method: clinical testing. Allele origin: germline.

Ambry Genetics
Classification: Likely benign for Cardiovascular phenotype. Last evaluated: 2015-07-23. Review status: criteria provided, single submitter. Criteria: Ambry Variant Classification Scheme 2023. Collection method: clinical testing. Allele origin: germline.

GeneDx
Classification: Benign. Last evaluated: 2015-03-03. Review status: criteria provided, single submitter. Criteria: GeneDx Variant Classification Process June 2021. Collection method: clinical testing. Allele origin: germline. Affected: yes.